The following is an entry in ClinVar:

ClinVar aggregate classification (germline): Uncertain significance (1 of 4 stars; one submission).

Conditions:
Ataxia-telangiectasia syndrome (AT). Also called: Ataxia-telangiectasia; LOUIS-BAR SYNDROME; Ataxia-telangiectasia, complementation group D; AT, COMPLEMENTATION GROUP C; ATAXIA-TELANGIECTASIA, COMPLEMENTATION GROUP A; ATAXIA-TELANGIECTASIA, FRESNO VARIANT. Identifiers: Orphanet 100, MedGen C0004135, MONDO:0008840, OMIM 208900.

Allele frequency attached by ClinVar (database versions not stated): gnomAD exomes below 0.00001.
gnomAD v4.1: 1 of 1,614,020 alleles (0.000062%); highest among the groups gnomAD compares: Non-Finnish European, 0.000085%; no homozygotes.

Submission:

Labcorp Genetics (formerly Invitae), Labcorp
Classification: Uncertain significance for Ataxia-telangiectasia syndrome. Last evaluated: 2021-09-24. Review status: criteria provided, single submitter. Criteria: Invitae Variant Classification Sherloc (09022015). Collection method: clinical testing. Allele origin: germline.
Comment: This sequence change replaces asparagine with lysine at codon 2586 of the ATM protein (p.Asn2586Lys). The asparagine residue is moderately conserved and there is a moderate physicochemical difference between asparagine and lysine. This variant is not present in population databases (ExAC no frequency). This variant has not been reported in the literature in individuals with ATM-related conditions. Algorithms developed to predict the effect of missense changes on protein structure and function (SIFT, PolyPhen-2, Align-GVGD) all suggest that this variant is likely to be tolerated, but these predictions have not been confirmed by published functional studies and their clinical significance is uncertain. Algorithms developed to predict the effect of sequence changes on RNA splicing suggest that this variant may create or strengthen a splice site, but this prediction has not been confirmed by published transcriptional studies. In summary, the available evidence is currently insufficient to determine the role of this variant in disease. Therefore, it has been classified as a Variant of Uncertain Significance.

NM_000051.4(ATM):c.7758T>G (p.Asn2586Lys)

Genes: ATM (ATM serine/threonine kinase; plus strand), C11orf65 (chromosome 11 open reading frame 65; minus strand). Cytogenetic location: 11q22.3.
Variant type: single nucleotide variant.
Coding change: c.7758T>G on transcript NM_000051.4 (MANE Select); coding-DNA position 7758, T replaced by G.
Protein change: p.Asn2586Lys; replaces asparagine 2586 with lysine.
Molecular consequence: missense variant. On other transcripts: intron variant (2).
Genome position (GRCh38, 1-based): chr11:108,332,007, T>G. VCF-style: chr11-108332007-T-G. GRCh37 (hg19) VCF-style: chr11-108202734-T-G.
Other names: c.7758T>G, p.Asn2586Lys (NM_001351834.2); c.641-22936A>C (NM_001330368.2); c.*38+3213A>C (NM_001351110.2); short protein forms N2586K.
Identifiers: ClinVar variation 1399253 (VCV001399253.6), dbSNP rs2136526693, ClinGen allele CA382561162.